The following is an entry in ClinVar:

NM_001267550.2(TTN):c.62673T>C (p.Asp20891=)

Genes: TTN (titin; minus strand), TTN-AS1 (TTN antisense RNA 1; plus strand). Cytogenetic location: 2q31.2.
Variant type: single nucleotide variant.
Coding change: c.62673T>C on transcript NM_001267550.2 (MANE Select); coding-DNA position 62673, T replaced by C.
Protein change: p.Asp20891=; no amino-acid change (aspartic acid 20891 retained).
Molecular consequence: synonymous variant.
Genome position (GRCh38, 1-based): chr2:178,589,052, A>G on the plus strand (T>C on the coding strand, the complement: TTN is on the minus strand). VCF-style: chr2-178589052-A-G. GRCh37 (hg19) VCF-style: chr2-179453779-A-G.
Other names: c.57750T>C, p.Asp19250= (NM_001256850.1); c.35478T>C, p.Asp11826= (NM_003319.4); c.54969T>C, p.Asp18323= (NM_133378.4); c.35853T>C, p.Asp11951= (NM_133432.3); c.36054T>C, p.Asp12018= (NM_133437.4).
Identifiers: ClinVar variation 332814 (VCV000332814.16), dbSNP rs374354363, ClinGen allele CA1992195.

ClinVar aggregate classification (germline): Conflicting classifications of pathogenicity. Review status: criteria provided, conflicting classifications (1 of 4 stars). 8 submissions from 4 submitters: Uncertain significance (3); Likely benign (5). Last evaluated 2026-01-18.

Conditions:
Dilated cardiomyopathy 1G (CMD1G). Identifiers: Orphanet 154, MedGen C1858763, MONDO:0011400, OMIM 604145.
Autosomal recessive limb-girdle muscular dystrophy type 2J (LGMDR10). Also called: MUSCULAR DYSTROPHY, LIMB-GIRDLE, AUTOSOMAL RECESSIVE 10; Limb-girdle muscular dystrophy, type 2J. Identifiers: Orphanet 140922, MedGen C1837342, MONDO:0012127, OMIM 608807.
Cardiovascular phenotype. Identifiers: MedGen CN230736.
Early-onset myopathy with fatal cardiomyopathy (CMYO5). Also called: CONGENITAL MYOPATHY 5 WITH CARDIOMYOPATHY; Salih Myopathy. Identifiers: Orphanet 289377, MedGen C2673677, MONDO:0012714, OMIM 611705. Disease mechanism: loss of function.
Myopathy, myofibrillar, 9, with early respiratory failure (MFM9). Also called: Myopathy, distal, with early respiratory failure, autosomal dominant; Hereditary myopathy with early respiratory failure; EDSTROM MYOPATHY; MYOPATHY, PROXIMAL, WITH EARLY RESPIRATORY MUSCLE INVOLVEMENT. Identifiers: Orphanet 178464, Orphanet 34521, MedGen C1863599, MONDO:0011362, OMIM 603689.
Tibial muscular dystrophy (TMD). Also called: Udd Distal Myopathy – Tibial Muscular Dystrophy; UDD MYOPATHY; Tibial muscular dystrophy, tardive. Identifiers: Orphanet 609, MedGen C1838244, MONDO:0010870, OMIM 600334.

Allele frequency attached by ClinVar (database versions not stated): gnomAD exomes 0.00002 and 0.00004; gnomAD 0.00004; TOPMed 0.00004; ExAC 0.00006; ESP Exome Variant Server 0.00008.
gnomAD v4.1: 28 of 1,609,316 alleles (0.0017%); highest among the groups gnomAD compares: Admixed American, 0.0067%; no homozygotes.

Submissions (8):

Labcorp Genetics (formerly Invitae), Labcorp
Classification: Likely benign for Dilated cardiomyopathy 1G; Autosomal recessive limb-girdle muscular dystrophy type 2J. Last evaluated: 2026-01-18. Review status: criteria provided, single submitter. Criteria: Invitae Variant Classification Sherloc (09022015). Collection method: clinical testing. Allele origin: germline.

Ambry Genetics
Classification: Likely benign for Cardiovascular phenotype. Last evaluated: 2021-08-02. Review status: criteria provided, single submitter. Criteria: Ambry Variant Classification Scheme 2023. Collection method: clinical testing. Allele origin: germline.

GeneDx
Classification: Likely benign. Last evaluated: 2018-05-21. Review status: criteria provided, single submitter. Criteria: GeneDx Variant Classification (06012015). Collection method: clinical testing. Allele origin: germline. Affected: yes.
Comment: This variant is considered likely benign or benign based on one or more of the following criteria: it is a conservative change, it occurs at a poorly conserved position in the protein, it is predicted to be benign by multiple in silico algorithms, and/or has population frequency not consistent with disease.

Illumina Laboratory Services, Illumina
Classification: Uncertain significance for Early-onset myopathy with fatal cardiomyopathy. Last evaluated: 2018-01-12. Review status: criteria provided, single submitter. Criteria: ICSL Variant Classification Criteria 13 December 2019. Collection method: clinical testing. Allele origin: germline.

Illumina Laboratory Services, Illumina
Classification: Likely benign for Tibial muscular dystrophy. Last evaluated: 2018-01-12. Review status: criteria provided, single submitter. Criteria: ICSL Variant Classification Criteria 13 December 2019. Collection method: clinical testing. Allele origin: germline.
Comment: This variant was observed in the ICSL laboratory as part of a predisposition screen in an ostensibly healthy population. It had not been previously curated by ICSL or reported in the Human Gene Mutation Database (HGMD: prior to June 1st, 2018), and was therefore a candidate for classification through an automated scoring system. Utilizing variant allele frequency, disease prevalence and penetrance estimates, and inheritance mode, an automated score was calculated to assess if this variant is too frequent to cause the disease. Based on the score and internal cut-off values, a variant classified as likely benign is not then subjected to further curation. The score for this variant resulted in a classification of likely benign for this disease.

Illumina Laboratory Services, Illumina
Classification: Likely benign for Myopathy, myofibrillar, 9, with early respiratory failure. Last evaluated: 2018-01-12. Review status: criteria provided, single submitter. Criteria: ICSL Variant Classification Criteria 13 December 2019. Collection method: clinical testing. Allele origin: germline.
Comment: the same text as in the submission from Illumina Laboratory Services, Illumina above.

Illumina Laboratory Services, Illumina
Classification: Uncertain significance for Dilated cardiomyopathy 1G. Last evaluated: 2018-01-12. Review status: criteria provided, single submitter. Criteria: ICSL Variant Classification Criteria 13 December 2019. Collection method: clinical testing. Allele origin: germline.

Illumina Laboratory Services, Illumina
Classification: Uncertain significance for Autosomal recessive limb-girdle muscular dystrophy type 2J. Last evaluated: 2018-01-12. Review status: criteria provided, single submitter. Criteria: ICSL Variant Classification Criteria 13 December 2019. Collection method: clinical testing. Allele origin: germline.